The following is an entry in ClinVar:

NM_001355436.2(SPTB):c.3088G>T (p.Glu1030Ter)

Gene: SPTB (spectrin beta, erythrocytic; minus strand). Cytogenetic location: 14q23.3.
Variant type: single nucleotide variant.
Coding change: c.3088G>T on transcript NM_001355436.2 (MANE Select); coding-DNA position 3088, G replaced by T.
Protein change: p.Glu1030Ter; replaces glutamic acid 1030 with a stop codon.
Molecular consequence: nonsense.
Genome position (GRCh38, 1-based): chr14:64,786,877, C>A on the plus strand (G>T on the coding strand, the complement: SPTB is on the minus strand). VCF-style: chr14-64786877-C-A. GRCh37 (hg19) VCF-style: chr14-65253595-C-A.
Other names: c.3088G>T, p.Glu1030Ter (NM_001024858.4, NM_001355437.2); short protein forms E1030*.
Identifiers: ClinVar variation 1996965 (VCV001996965.6), dbSNP rs757425728, ClinGen allele CA390047267.

ClinVar aggregate classification (germline): Pathogenic/Likely pathogenic. Review status: criteria provided, multiple submitters, no conflicts (2 of 4 stars). 3 submissions from 3 submitters: Pathogenic (1); Likely pathogenic (2). Last evaluated 2024-01-10.

Conditions:
Elliptocytosis 3 (EL3). Identifiers: MedGen C1866810, MONDO:0054780, OMIM 617948.
Hereditary spherocytosis type 2. Also called: SPHEROCYTOSIS, TYPE 2, AUTOSOMAL DOMINANT. Identifiers: Orphanet 822, MedGen C2674219, MONDO:0000913, OMIM 616649.

Submissions (3):

Fulgent Genetics
Classification: Likely pathogenic for Hereditary spherocytosis type 2; Elliptocytosis 3. Last evaluated: 2024-01-10. Review status: criteria provided, single submitter. Criteria: ACMG Guidelines, 2015. Collection method: clinical testing. Allele origin: germline.

Revvity Omics, Revvity
Classification: Likely pathogenic. Last evaluated: 2023-08-23. Review status: criteria provided, single submitter. Criteria: ACMG Guidelines, 2015. Collection method: clinical testing. Allele origin: germline.

Labcorp Genetics (formerly Invitae), Labcorp
Classification: Pathogenic. Last evaluated: 2023-08-14. Review status: criteria provided, single submitter. Criteria: Invitae Variant Classification Sherloc (09022015). Collection method: clinical testing. Allele origin: germline.
Comment: ClinVar contains an entry for this variant (Variation ID: 1996965). This sequence change creates a premature translational stop signal (p.Glu1030*) in the SPTB gene. It is expected to result in an absent or disrupted protein product. Loss-of-function variants in SPTB are known to be pathogenic (PMID: 1391962, 1498324, 8844207, 26830532, 27292444). This variant is not present in population databases (gnomAD no frequency). This variant has not been reported in the literature in individuals affected with SPTB-related conditions. For these reasons, this variant has been classified as Pathogenic.

Literature cited by the submitters: PubMed 1391962 (cited by Labcorp Genetics (formerly Invitae), Labcorp); PubMed 1498324 (cited by Labcorp Genetics (formerly Invitae), Labcorp); PubMed 8844207 (cited by Labcorp Genetics (formerly Invitae), Labcorp); PubMed 26830532 (cited by Labcorp Genetics (formerly Invitae), Labcorp); PubMed 27292444 (cited by Labcorp Genetics (formerly Invitae), Labcorp).